The following is an entry in ClinVar:

ClinVar aggregate classification (germline): Benign. Review status: criteria provided, multiple submitters, no conflicts (2 of 4 stars). 2 submissions from 2 submitters: Benign (2). Last evaluated 2018-01-12.

Conditions:
Neuropathy, hereditary sensory and autonomic, type 2B (HSAN2B). Also called: RETREG1-Related HSAN2 (HSAN2B). Identifiers: Orphanet 970, MedGen C2751092, MONDO:0013142, OMIM 613115.

Allele frequency attached by ClinVar (database versions not stated): gnomAD 0.37107 and 0.37375; TOPMed 0.37490; gnomAD exomes 0.40741; 1000 Genomes Project 0.40795; 1000 Genomes Project 30x 0.41224.
gnomAD v4.1: 56,636 of 152,010 alleles (37%); highest among the groups gnomAD compares: East Asian, 46%; 10,764 homozygotes.

Submissions (2):

Illumina Laboratory Services, Illumina
Classification: Benign for Neuropathy, hereditary sensory and autonomic, type 2B. Last evaluated: 2018-01-12. Review status: criteria provided, single submitter. Criteria: ICSL Variant Classification Criteria 13 December 2019. Collection method: clinical testing. Allele origin: germline.
Comment: This variant was observed in the ICSL laboratory as part of a predisposition screen in an ostensibly healthy population. It had not been previously curated by ICSL or reported in the Human Gene Mutation Database (HGMD: prior to June 1st, 2018), and was therefore a candidate for classification through an automated scoring system. Utilizing variant allele frequency, disease prevalence and penetrance estimates, and inheritance mode, an automated score was calculated to assess if this variant is too frequent to cause the disease. Based on the score and internal cut-off values, a variant classified as benign is not then subjected to further curation. The score for this variant resulted in a classification of benign for this disease.

Breakthrough Genomics
Classification: Benign. Review status: criteria provided, single submitter. Criteria: ACMG Guidelines, 2015. Collection method: not provided. Allele origin: germline. Inheritance: Autosomal recessive inheritance. Affected: yes.

NM_001034850.3(RETREG1):c.*1012G>A

Gene: RETREG1 (reticulophagy regulator 1; minus strand). Cytogenetic location: 5p15.1.
Variant type: single nucleotide variant.
Coding change: c.*1012G>A on transcript NM_001034850.3 (MANE Select); 1012 bases downstream of the stop codon, G replaced by A.
Molecular consequence: 3 prime UTR variant.
Genome position (GRCh38, 1-based): chr5:16,473,729, C>T on the plus strand (G>A on the coding strand, the complement: RETREG1 is on the minus strand). VCF-style: chr5-16473729-C-T. GRCh37 (hg19) VCF-style: chr5-16473838-C-T.
Other names: c.*1012G>A (NM_019000.5).
Identifiers: ClinVar variation 352675 (VCV000352675.6), dbSNP rs26016, ClinGen allele CA10621240.